The following is an entry in ClinVar:

NM_000701.8(ATP1A1):c.680G>C (p.Arg227Thr)

Gene: ATP1A1 (ATPase Na+/K+ transporting subunit alpha 1; plus strand). Cytogenetic location: 1p13.1.
Variant type: single nucleotide variant.
Coding change: c.680G>C on transcript NM_000701.8 (MANE Select); coding-DNA position 680, G replaced by C.
Protein change: p.Arg227Thr; replaces arginine 227 with threonine.
Molecular consequence: missense variant.
Genome position (GRCh38, 1-based): chr1:116,388,945, G>C. VCF-style: chr1-116388945-G-C. GRCh37 (hg19) VCF-style: chr1-116931567-G-C.
Other names: c.680G>C, p.Arg227Thr (NM_001160233.2); c.587G>C, p.Arg196Thr (NM_001160234.2); short protein forms R196T, R227T.
Identifiers: ClinVar variation 4076879 (VCV004076879.1).
Genomic context (GRCh38, chr1:116,388,945, plus strand): 5'-CTTTTCCTCACATATAGGTGGATAACTCCTCGCTCACTGGTGAATCAGAACCCCAGACTA[G>C]GTCTCCAGATTTCACAAATGAAAACCCCCTGGAGACGAGGAACATTGCCTTCTTTTCAAC-3'
Protein context (NP_000692.2, residues 217-237): SLTGESEPQT[Arg227Thr]SPDFTNENPL

ClinVar aggregate classification (germline): Uncertain significance (1 of 4 stars; one submission).

Submission:

GeneDx
Classification: Uncertain significance. Last evaluated: 2025-02-20. Review status: criteria provided, single submitter. Criteria: GeneDx Variant Classification Process June 2021. Collection method: clinical testing. Allele origin: germline. Affected: yes.
Comment: Not observed at significant frequency in large population cohorts (gnomAD); In silico analysis supports that this missense variant has a deleterious effect on protein structure/function; Has not been previously published as pathogenic or benign to our knowledge